The following is an entry in ClinVar:

ClinVar aggregate classification (germline): Likely benign. Review status: criteria provided, multiple submitters, no conflicts (2 of 4 stars). 2 submissions from 2 submitters: Likely benign (2). Last evaluated 2026-02-09.

Conditions:
LRP2-related disorder. Also called: LRP2-related condition.

Allele frequency attached by ClinVar (database versions not stated): gnomAD exomes 0.00001; ExAC 0.00002; TOPMed 0.00003; gnomAD 0.00004; ESP Exome Variant Server 0.00008.
gnomAD v4.1: 40 of 1,613,856 alleles (0.0025%); highest among the groups gnomAD compares: South Asian, 0.013%; no homozygotes.

Submissions (2):

PreventionGenetics, part of Exact Sciences
Classification: Likely benign for LRP2-related condition. Last evaluated: 2026-02-09. Review status: criteria provided, single submitter. Criteria: ACMG Guidelines, 2015. Collection method: clinical testing. Allele origin: germline.
Comment: This variant is classified as likely benign based on ACMG/AMP sequence variant interpretation guidelines (Richards et al. 2015 PMID: 25741868, with internal and published modifications).

Labcorp Genetics (formerly Invitae), Labcorp
Classification: Likely benign. Last evaluated: 2026-01-17. Review status: criteria provided, single submitter. Criteria: Invitae Variant Classification Sherloc (09022015). Collection method: clinical testing. Allele origin: germline.

NM_004525.3(LRP2):c.6129C>T (p.Cys2043=)

Gene: LRP2 (LDL receptor related protein 2; minus strand). Cytogenetic location: 2q31.1.
Variant type: single nucleotide variant.
Coding change: c.6129C>T on transcript NM_004525.3 (MANE Select); coding-DNA position 6129, C replaced by T.
Protein change: p.Cys2043=; no amino-acid change (cysteine 2043 retained).
Molecular consequence: synonymous variant.
Genome position (GRCh38, 1-based): chr2:169,212,119, G>A on the plus strand (C>T on the coding strand, the complement: LRP2 is on the minus strand). VCF-style: chr2-169212119-G-A. GRCh37 (hg19) VCF-style: chr2-170068629-G-A.
Other names: c.6129C>T (NM_004525.2).
Identifiers: ClinVar variation 2152530 (VCV002152530.5), dbSNP rs111909155, ClinGen allele CA1954353.
Genomic context (GRCh38, chr2:169,212,119, plus strand): 5'-AGAGTTATATGGAGAGCAGGACCGATTATCAGGATTGAGTTTAAATCCAGTGGCACAGGC[G>A]CAGGAAAACAATCCTCCTGGTACAGGCAGGCAAATCTGCTGACAGGCATTCATGTTGTTG-3'
Protein context (NP_004516.2, residues 2033-2053): CLPVPGGLFS[Cys2043=]ACATGFKLNP